The following is an entry in ClinVar:

NM_001384732.1(CPLANE1):c.1136C>T (p.Thr379Met)

Gene: CPLANE1 (ciliogenesis and planar polarity effector complex subunit 1; minus strand). Cytogenetic location: 5p13.2.
Variant type: single nucleotide variant.
Coding change: c.1136C>T on transcript NM_001384732.1 (MANE Select); coding-DNA position 1136, C replaced by T.
Protein change: p.Thr379Met; replaces threonine 379 with methionine.
Molecular consequence: missense variant.
Genome position (GRCh38, 1-based): chr5:37,227,803, G>A on the plus strand (C>T on the coding strand, the complement: CPLANE1 is on the minus strand). VCF-style: chr5-37227803-G-A. GRCh37 (hg19) VCF-style: chr5-37227905-G-A.
Other names: c.1136C>T, p.Thr379Met (NM_023073.4); short protein forms T379M.
Identifiers: ClinVar variation 714360 (VCV000714360.23), dbSNP rs373606997, ClinGen allele CA3239125.
Genomic context (GRCh38, chr5:37,227,803, plus strand): 5'-TGTCTCATAGGGTCACTATCAGAAGCTGATGAATCAACAGAATTATTTGAATCTTGAAAC[G>A]TAAACTGCTGTGGTCTAGTAAACAAACATCAAAATACAAGAATCAGTAAGAGAAAGATCT-3'
Protein context (NP_001371661.1, residues 369-389): PLITYRPQQF[Thr379Met]FQDSNNSVDS

ClinVar aggregate classification (germline): Benign/Likely benign. Review status: criteria provided, multiple submitters, no conflicts (2 of 4 stars). 5 submissions from 5 submitters: Benign (2); Likely benign (2). 1 of the submissions does not count toward it. Last evaluated 2026-02-02.

Conditions:
Joubert syndrome 17 (JBTS17). Identifiers: Orphanet 475, MedGen C3553264, MONDO:0013824, OMIM 614615.
CPLANE1-related disorder. Also called: CPLANE1-related condition.

Allele frequency attached by ClinVar (database versions not stated): ExAC 0.00422; gnomAD 0.00004 and 0.00047; TOPMed 0.00011; gnomAD exomes 0.00063 and 0.00172; 1000 Genomes Project 30x 0.00359; 1000 Genomes Project 0.00399.
gnomAD v4.1: 964 of 1,550,344 alleles (0.062%); highest among the groups gnomAD compares: South Asian, 1.1%; 12 homozygotes.

Submissions (5):

Labcorp Genetics (formerly Invitae), Labcorp
Classification: Benign. Last evaluated: 2026-02-02. Review status: criteria provided, single submitter. Criteria: Invitae Variant Classification Sherloc (09022015). Collection method: clinical testing. Allele origin: germline.

CeGaT Center for Human Genetics Tuebingen
Classification: Benign. Last evaluated: 2025-12-01. Review status: criteria provided, single submitter. Criteria: CeGaT Center For Human Genetics Tuebingen Variant Classification Criteria Version 2. Collection method: clinical testing. Allele origin: germline. Affected: yes. Observed: 1 variant allele.
Comment: CPLANE1: BP4, BS1, BS2

Blueprint Genetics
Classification: Likely benign. Last evaluated: 2024-11-22. Review status: criteria provided, single submitter. Criteria: ACMG Guidelines, 2015. Collection method: clinical testing. Allele origin: germline.

Illumina Laboratory Services, Illumina
Classification: Likely benign for Joubert syndrome 17. Last evaluated: 2018-01-12. Review status: criteria provided, single submitter. Criteria: ICSL Variant Classification Criteria 13 December 2019. Collection method: clinical testing. Allele origin: germline.
Comment: This variant was observed in the ICSL laboratory as part of a predisposition screen in an ostensibly healthy population. It had not been previously curated by ICSL or reported in the Human Gene Mutation Database (HGMD: prior to June 1st, 2018), and was therefore a candidate for classification through an automated scoring system. Utilizing variant allele frequency, disease prevalence and penetrance estimates, and inheritance mode, an automated score was calculated to assess if this variant is too frequent to cause the disease. Based on the score and internal cut-off values, a variant classified as likely benign is not then subjected to further curation. The score for this variant resulted in a classification of likely benign for this disease.

PreventionGenetics, part of Exact Sciences
Classification: Benign for CPLANE1-related condition. Last evaluated: 2019-09-19. Review status: no assertion criteria provided. Collection method: clinical testing. Allele origin: germline. Not counted in ClinVar's aggregate classification.
Comment: This variant is classified as benign based on ACMG/AMP sequence variant interpretation guidelines (Richards et al. 2015 PMID: 25741868, with internal and published modifications).